The following is an entry in ClinVar:

NM_017449.5(EPHB2):c.351G>T (p.Glu117Asp)

Gene: EPHB2 (EPH receptor B2; plus strand). Cytogenetic location: 1p36.12.
Variant type: single nucleotide variant.
Coding change: c.351G>T on transcript NM_017449.5 (MANE Select); coding-DNA position 351, G replaced by T.
Protein change: p.Glu117Asp; replaces glutamic acid 117 with aspartic acid.
Molecular consequence: missense variant.
Genome position (GRCh38, 1-based): chr1:22,784,616, G>T. VCF-style: chr1-22784616-G-T. GRCh37 (hg19) VCF-style: chr1-23111109-G-T.
Other names: c.351G>T, p.Glu117Asp (NM_001309192.2, NM_001309193.2, NM_004442.7); short protein forms E117D.
Identifiers: ClinVar variation 5001586 (VCV005001586.1).

ClinVar aggregate classification (germline): Uncertain significance (1 of 4 stars; one submission).

Conditions:
EPHB2-related disorder. Also called: EPHB2-related condition.

gnomAD v4.1: 1 of 1,614,146 alleles (0.000062%); no homozygotes.

Submission:

PreventionGenetics, part of Exact Sciences
Classification: Uncertain significance for EPHB2-related condition. Last evaluated: 2025-01-16. Review status: criteria provided, single submitter. Criteria: ACMG Guidelines, 2015. Collection method: clinical testing. Allele origin: germline.
Comment: The EPHB2 c.351G>T variant is predicted to result in the amino acid substitution p.Glu117Asp. To our knowledge, this variant has not been reported in the literature or in a large population database (gnomAD), indicating this variant is rare. At this time, the clinical significance of this variant is uncertain due to the absence of conclusive functional and genetic evidence.